The following is an entry in ClinVar:

ClinVar aggregate classification (germline): Uncertain significance (1 of 4 stars; one submission).

Allele frequency attached by ClinVar (database versions not stated): gnomAD exomes 0.00001.
gnomAD v4.1: 10 of 1,588,806 alleles (0.00063%); highest among the groups gnomAD compares: South Asian, 0.0011%; no homozygotes.

Submission:

Labcorp Genetics (formerly Invitae), Labcorp
Classification: Uncertain significance. Last evaluated: 2023-05-31. Review status: criteria provided, single submitter. Criteria: Invitae Variant Classification Sherloc (09022015). Collection method: clinical testing. Allele origin: germline.
Comment: This variant has not been reported in the literature in individuals affected with IL6ST-related conditions. This variant is not present in population databases (gnomAD no frequency). This sequence change replaces phenylalanine, which is neutral and non-polar, with leucine, which is neutral and non-polar, at codon 641 of the IL6ST protein (p.Phe641Leu). In summary, the available evidence is currently insufficient to determine the role of this variant in disease. Therefore, it has been classified as a Variant of Uncertain Significance. An algorithm developed to predict the effect of missense changes on protein structure and function (PolyPhen-2) suggests that this variant is likely to be tolerated.

NM_002184.4(IL6ST):c.1921T>C (p.Phe641Leu)

Gene: IL6ST (interleukin 6 cytokine family signal transducer; minus strand). Cytogenetic location: 5q11.2.
Variant type: single nucleotide variant.
Coding change: c.1921T>C on transcript NM_002184.4 (MANE Select); coding-DNA position 1921, T replaced by C.
Protein change: p.Phe641Leu; replaces phenylalanine 641 with leucine.
Molecular consequence: missense variant. On other transcripts: 3 prime UTR variant (1), non-coding transcript variant (2).
Genome position (GRCh38, 1-based): chr5:55,947,509, A>G on the plus strand (T>C on the coding strand, the complement: IL6ST is on the minus strand). VCF-style: chr5-55947509-A-G. GRCh37 (hg19) VCF-style: chr5-55243337-A-G.
Other names: c.1738T>C, p.Phe580Leu (NM_001190981.2); c.1819T>C, p.Phe607Leu (NM_001364275.2); c.1711T>C, p.Phe571Leu (NM_001364276.2); c.1054T>C, p.Phe352Leu (NM_001364277.2); c.1018T>C, p.Phe340Leu (NM_001364278.2); c.925T>C, p.Phe309Leu (NM_001364279.2); c.*848T>C (NM_175767.3); short protein forms F352L, F571L, F607L, F580L, F309L, F641L, F340L.
Identifiers: ClinVar variation 2754998 (VCV002754998.3), dbSNP rs2533457884, ClinGen allele CA359782292.